The following is an entry in ClinVar:

ClinVar aggregate classification (germline): Uncertain significance. Review status: criteria provided, multiple submitters, no conflicts (2 of 4 stars). 2 submissions from 2 submitters: Uncertain significance (2). Last evaluated 2025-10-07.

Conditions:
Inborn genetic diseases. Identifiers: MedGen C0950123, MeSH D030342.

Allele frequency attached by ClinVar (database versions not stated): gnomAD exomes 0.00001; ExAC 0.00001; gnomAD 0.00001.
gnomAD v4.1: 17 of 1,611,868 alleles (0.0011%); highest among the groups gnomAD compares: South Asian, 0.018%; no homozygotes.

Submissions (2):

Ambry Genetics
Classification: Uncertain significance for Inborn genetic diseases. Last evaluated: 2025-10-07. Review status: criteria provided, single submitter. Criteria: Ambry Variant Classification Scheme 2023. Collection method: clinical testing. Allele origin: germline.

Labcorp Genetics (formerly Invitae), Labcorp
Classification: Uncertain significance. Last evaluated: 2021-12-24. Review status: criteria provided, single submitter. Criteria: Invitae Variant Classification Sherloc (09022015). Collection method: clinical testing. Allele origin: germline.
Comment: In summary, the available evidence is currently insufficient to determine the role of this variant in disease. Therefore, it has been classified as a Variant of Uncertain Significance. Algorithms developed to predict the effect of missense changes on protein structure and function output the following: SIFT: "Deleterious"; PolyPhen-2: "Benign"; Align-GVGD: "Class C25". The valine amino acid residue is found in multiple mammalian species, which suggests that this missense change does not adversely affect protein function. This variant has not been reported in the literature in individuals affected with NBAS-related conditions. This variant is present in population databases (rs749979967, gnomAD 0.01%). This sequence change replaces isoleucine, which is neutral and non-polar, with valine, which is neutral and non-polar, at codon 183 of the NBAS protein (p.Ile183Val).

NM_015909.4(NBAS):c.547A>G (p.Ile183Val)

Gene: NBAS (NBAS subunit of NRZ tethering complex; minus strand). Cytogenetic location: 2p24.3.
Variant type: single nucleotide variant.
Coding change: c.547A>G on transcript NM_015909.4 (MANE Select); coding-DNA position 547, A replaced by G.
Protein change: p.Ile183Val; replaces isoleucine 183 with valine.
Molecular consequence: missense variant. On other transcripts: non-coding transcript variant (1).
Genome position (GRCh38, 1-based): chr2:15,536,518, T>C on the plus strand (A>G on the coding strand, the complement: NBAS is on the minus strand). VCF-style: chr2-15536518-T-C. GRCh37 (hg19) VCF-style: chr2-15676642-T-C.
Other names: c.547A>G (NM_015909.2); short protein forms I183V.
Identifiers: ClinVar variation 1467859 (VCV001467859.5), dbSNP rs749979967, ClinGen allele CA1536989.